The following is an entry in ClinVar:

ClinVar aggregate classification (germline): Uncertain significance (1 of 4 stars; one submission).

Submission:

GeneDx
Classification: Uncertain significance. Last evaluated: 2022-11-21. Review status: criteria provided, single submitter. Criteria: GeneDx Variant Classification Process June 2021. Collection method: clinical testing. Allele origin: germline. Affected: yes.
Comment: Frameshift variant predicted to result in protein truncation or nonsense mediated decay in a gene or region of a gene for which loss of function is not a well-established mechanism of disease; Not observed at significant frequency in large population cohorts (gnomAD); Has not been previously published as pathogenic or benign to our knowledge; Variants in candidate genes are classified as variants of uncertain significance in accordance with ACMG guidelines (Richards et al., 2015)

NM_004789.4(LHX2):c.139_149del (p.Ser47fs)

Gene: LHX2 (LIM homeobox 2; plus strand). Cytogenetic location: 9q33.3.
Variant type: Deletion.
Coding change: c.139_149del on transcript NM_004789.4 (MANE Select); coding-DNA positions 139 to 149, 11 bases deleted (AGTGACCGCGC).
Protein change: p.Ser47fs; shifts the reading frame from serine 47.
Molecular consequence: frameshift variant.
Genome position (GRCh38, 1-based): chr9:124,013,979-124,013,989, AGTGACCGCGC deleted; deleting any 11 consecutive bases within chr9:124,013,977-124,013,989 gives the same sequence; the c. name uses the placement nearest the transcript's 3' end. VCF-style (leftmost placement, unchanged base first): chr9-124013976-AGCAGTGACCGC-A. GRCh37 (hg19) VCF-style: chr9-126776255-AGCAGTGACCGC-A.
Other names: short protein forms S47fs.
Identifiers: ClinVar variation 2503326 (VCV002503326.1), dbSNP rs2540147343, ClinGen allele CA2580616298.
Genomic context (GRCh38, chr9:124,013,976, plus strand): 5'-TGGCTGACGCAGGCGCTGCTGTCTTCCGCCTCCCTCCCTTCGCAGACCATGCCGTCCATC[AGCAGTGACCGC>A]GCCGCGCTGTGCGCCGGCTGCGGGGGCAAGATCTCGGACCGCTACTACCTGCTGGCGGTG-3'